The following is an entry in ClinVar:

ClinVar aggregate classification (germline): Benign. Review status: criteria provided, multiple submitters, no conflicts (2 of 4 stars). 2 submissions from 2 submitters: Benign (2). Last evaluated 2018-01-12.

Conditions:
Familial hypokalemia-hypomagnesemia (GTLMNS). Also called: gitelman syndrome; HYPOMAGNESEMIA-HYPOKALEMIA, PRIMARY RENOTUBULAR, WITH HYPOCALCIURIA; POTASSIUM AND MAGNESIUM DEPLETION. Identifiers: Orphanet 358, MedGen C0268450, MONDO:0009904, OMIM 263800.

Allele frequency attached by ClinVar (database versions not stated): gnomAD exomes 0.41096; 1000 Genomes Project 0.53994; TOPMed 0.57020; gnomAD 0.57598.
gnomAD v4.1: 85,847 of 149,742 alleles (57%); highest among the groups gnomAD compares: African/African-American, 66%; 25,012 homozygotes.

Submissions (2):

Illumina Laboratory Services, Illumina
Classification: Benign for Familial hypokalemia-hypomagnesemia. Last evaluated: 2018-01-12. Review status: criteria provided, single submitter. Criteria: ICSL Variant Classification Criteria 13 December 2019. Collection method: clinical testing. Allele origin: germline.
Comment: This variant was observed in the ICSL laboratory as part of a predisposition screen in an ostensibly healthy population. It had not been previously curated by ICSL or reported in the Human Gene Mutation Database (HGMD: prior to June 1st, 2018), and was therefore a candidate for classification through an automated scoring system. Utilizing variant allele frequency, disease prevalence and penetrance estimates, and inheritance mode, an automated score was calculated to assess if this variant is too frequent to cause the disease. Based on the score and internal cut-off values, a variant classified as benign is not then subjected to further curation. The score for this variant resulted in a classification of benign for this disease.

Breakthrough Genomics
Classification: Benign. Review status: criteria provided, single submitter. Criteria: ACMG Guidelines, 2015. Collection method: not provided. Allele origin: germline. Inheritance: Autosomal recessive inheritance. Affected: yes.

NM_001126108.2(SLC12A3):c.*1524C>T

Gene: SLC12A3 (solute carrier family 12 member 3; plus strand). Cytogenetic location: 16q13.
Variant type: single nucleotide variant.
Coding change: c.*1524C>T on transcript NM_001126108.2 (MANE Select); 1524 bases downstream of the stop codon, C replaced by T.
Molecular consequence: 3 prime UTR variant.
Genome position (GRCh38, 1-based): chr16:56,914,929, C>T. VCF-style: chr16-56914929-C-T. GRCh37 (hg19) VCF-style: chr16-56948841-C-T.
Other names: c.*1524C>T (NM_000339.3, NM_001126107.2).
Identifiers: ClinVar variation 319951 (VCV000319951.6), dbSNP rs3812964, ClinGen allele CA10638086.